The following is an entry in ClinVar:

NM_001386298.1(CIC):c.6823C>T (p.Arg2275Trp)

Gene: CIC (capicua transcriptional repressor; plus strand). Cytogenetic location: 19q13.2.
Variant type: single nucleotide variant.
Coding change: c.6823C>T on transcript NM_001386298.1 (MANE Select); coding-DNA position 6823, C replaced by T.
Protein change: p.Arg2275Trp; replaces arginine 2275 with tryptophan.
Molecular consequence: missense variant.
Genome position (GRCh38, 1-based): chr19:42,293,990, C>T. VCF-style: chr19-42293990-C-T. GRCh37 (hg19) VCF-style: chr19-42798142-C-T.
Other names: c.6823C>T, p.Arg2275Trp (NM_001304815.2); c.6820C>T, p.Arg2274Trp (NM_001379480.1, NM_001379482.1); c.4096C>T, p.Arg1366Trp (NM_001379484.1, NM_015125.5); c.4093C>T, p.Arg1365Trp (NM_001379485.1); short protein forms R1365W, R1366W, R2274W, R2275W.
Identifiers: ClinVar variation 3767466 (VCV003767466.1).

ClinVar aggregate classification (germline): Uncertain significance (1 of 4 stars; one submission).

gnomAD v4.1: 1 of 1,613,486 alleles (0.000062%); highest among the groups gnomAD compares: African/African-American, 0.0013%; no homozygotes.

Submission:

GeneDx
Classification: Uncertain significance. Last evaluated: 2024-09-10. Review status: criteria provided, single submitter. Criteria: GeneDx Variant Classification Process June 2021. Collection method: clinical testing. Allele origin: germline. Affected: yes.
Comment: Not observed at significant frequency in large population cohorts (gnomAD); In silico analysis supports that this missense variant has a deleterious effect on protein structure/function; Has not been previously published as pathogenic or benign to our knowledge